The following is an entry in ClinVar:

NM_080680.3(COL11A2):c.1936G>A (p.Gly646Arg)

Gene: COL11A2 (collagen type XI alpha 2 chain; minus strand). Cytogenetic location: 6p21.32.
Variant type: single nucleotide variant.
Coding change: c.1936G>A on transcript NM_080680.3 (MANE Select); coding-DNA position 1936, G replaced by A.
Protein change: p.Gly646Arg; replaces glycine 646 with arginine.
Molecular consequence: missense variant.
Genome position (GRCh38, 1-based): chr6:33,177,447, C>T on the plus strand (G>A on the coding strand, the complement: COL11A2 is on the minus strand). VCF-style: chr6-33177447-C-T. GRCh37 (hg19) VCF-style: chr6-33145224-C-T.
Other names: c.1615G>A, p.Gly539Arg (NM_080679.3); c.1678G>A, p.Gly560Arg (NM_080681.3); short protein forms G539R, G646R, G560R.
Identifiers: ClinVar variation 1354206 (VCV001354206.6), dbSNP rs1383709560, ClinGen allele CA363654587.
Genomic context (GRCh38, chr6:33,177,447, plus strand): 5'-GGAACGGAGTAGGGGCACCGCTCACCTGGGTCCCAGGGGTGCCCTGTTGTCCAGGAGGTC[C>T]TGGCTCTCCCTGGGGTCCCTAGAAACAGGTGACCAGGCACAGGTCAGAAGGAGATGGAGA-3'
Protein context (NP_542411.2, residues 636-656): KGSLGPQGEP[Gly646Arg]PPGQQGTPGT

ClinVar aggregate classification (germline): Uncertain significance (1 of 4 stars; one submission).

Allele frequency attached by ClinVar (database versions not stated): gnomAD exomes 0.00001.
gnomAD v4.1: 18 of 1,612,978 alleles (0.0011%); highest among the groups gnomAD compares: Non-Finnish European, 0.0015%; no homozygotes.

Submission:

Labcorp Genetics (formerly Invitae), Labcorp
Classification: Uncertain significance. Last evaluated: 2022-06-27. Review status: criteria provided, single submitter. Criteria: Invitae Variant Classification Sherloc (09022015). Collection method: clinical testing. Allele origin: germline.
Comment: In summary, the available evidence is currently insufficient to determine the role of this variant in disease. Therefore, it has been classified as a Variant of Uncertain Significance. Advanced modeling of protein sequence and biophysical properties (such as structural, functional, and spatial information, amino acid conservation, physicochemical variation, residue mobility, and thermodynamic stability) performed at Invitae indicates that this missense variant is expected to disrupt COL11A2 protein function. This variant has not been reported in the literature in individuals affected with COL11A2-related conditions. This variant is present in population databases (no rsID available, gnomAD 0.002%). This sequence change replaces glycine, which is neutral and non-polar, with arginine, which is basic and polar, at codon 646 of the COL11A2 protein (p.Gly646Arg).